The following is an entry in ClinVar:

ClinVar aggregate classification (germline): Uncertain significance (1 of 4 stars; one submission).

Conditions:
Hereditary cancer-predisposing syndrome. Also called: Neoplastic Syndromes, Hereditary; Tumor predisposition; Hereditary Cancer Syndrome; Hereditary neoplastic syndrome. Identifiers: Orphanet 140162, MedGen C0027672, MeSH D009386, MONDO:0015356.

Submission:

Ambry Genetics
Classification: Uncertain significance for Hereditary cancer-predisposing syndrome. Last evaluated: 2026-07-30. Review status: criteria provided, single submitter. Criteria: Ambry Variant Classification Scheme 2023. Collection method: clinical testing. Allele origin: germline.
Comment: The p.A116P variant (also known as c.346G>C), located in coding exon 5 of the SDHC gene, results from a G to C substitution at nucleotide position 346. The alanine at codon 116 is replaced by proline, an amino acid with highly similar properties. This amino acid position is highly conserved in available vertebrate species. In addition, this alteration is predicted to be deleterious by in silico analysis. Based on the available evidence, the clinical significance of this variant remains unclear.

NM_003001.5(SDHC):c.346G>C (p.Ala116Pro)

Gene: SDHC (succinate dehydrogenase complex subunit C; plus strand). Cytogenetic location: 1q23.3.
Variant type: single nucleotide variant.
Coding change: c.346G>C on transcript NM_003001.5 (MANE Select); coding-DNA position 346, G replaced by C.
Protein change: p.Ala116Pro; replaces alanine 116 with proline.
Molecular consequence: missense variant. On other transcripts: non-coding transcript variant (1), intron variant (3).
Genome position (GRCh38, 1-based): chr1:161,356,781, G>C. VCF-style: chr1-161356781-G-C. GRCh37 (hg19) VCF-style: chr1-161326571-G-C.
Other names: c.244G>C, p.Ala82Pro (NM_001035512.3); c.187G>C, p.Ala63Pro (NM_001035513.3); c.466G>C, p.Ala156Pro (NM_001407115.1); c.289G>C, p.Ala97Pro (NM_001407116.1); c.283G>C, p.Ala95Pro (NM_001407117.1); c.238G>C, p.Ala80Pro (NM_001407118.1); c.235G>C, p.Ala79Pro (NM_001407119.1, NM_001407120.1); c.242-5548G>C (NM_001035511.3); and 2 more; short protein forms A80P, A116P, A156P, A63P, A79P, A95P, A97P, A82P.
Identifiers: ClinVar variation 4161263 (VCV004161263.2).